The following is an entry in ClinVar:

ClinVar aggregate classification (germline): Pathogenic (1 of 4 stars; one submission).

Conditions:
Nephronophthisis 15 (NPHP15). Identifiers: Orphanet 3156, MedGen C3541853, MONDO:0013917, OMIM 614845.

Submission:

Labcorp Genetics (formerly Invitae), Labcorp
Classification: Pathogenic for Nephronophthisis 15. Last evaluated: 2022-03-29. Review status: criteria provided, single submitter. Criteria: Invitae Variant Classification Sherloc (09022015). Collection method: clinical testing. Allele origin: germline.
Comment: This sequence change creates a premature translational stop signal (p.Ile1000Phefs*10) in the CEP164 gene. It is expected to result in an absent or disrupted protein product. Loss-of-function variants in CEP164 are known to be pathogenic (PMID: 22863007, 28125082, 32367404, 34132027, 34499853). For these reasons, this variant has been classified as Pathogenic. This variant has not been reported in the literature in individuals affected with CEP164-related conditions. This variant is not present in population databases (gnomAD no frequency).

Literature cited by the submitters: PubMed 22863007; PubMed 28125082; PubMed 32367404; PubMed 34132027; PubMed 34499853.

NM_014956.5(CEP164):c.2998del (p.Ile1000fs)

Gene: CEP164 (centrosomal protein 164; plus strand). Cytogenetic location: 11q23.3.
Variant type: Deletion.
Coding change: c.2998del on transcript NM_014956.5 (MANE Select); coding-DNA position 2998, one base deleted (A; older notation c.2998delA).
Protein change: p.Ile1000fs; shifts the reading frame from isoleucine 1000.
Molecular consequence: frameshift variant.
Genome position (GRCh38, 1-based): chr11:117,395,631, A deleted; the last of 3 consecutive A bases (chr11:117,395,629-117,395,631); deleting any one gives the same sequence. VCF-style (leftmost placement, unchanged base first): chr11-117395628-GA-G. GRCh37 (hg19) VCF-style: chr11-117266344-GA-G.
Other names: c.3007del, p.Ile1003fs (NM_001271933.2); short protein forms I1000fs, I1003fs.
Identifiers: ClinVar variation 2119268 (VCV002119268.4), dbSNP rs2542140157, ClinGen allele CA2580083564.